The following is an entry in ClinVar:

ClinVar aggregate classification (germline): Conflicting classifications of pathogenicity. Review status: criteria provided, conflicting classifications (1 of 4 stars). 8 submissions from 8 submitters: Likely pathogenic (1); Uncertain significance (7). Last evaluated 2026-10-13.

Conditions:
Malignant hyperthermia, susceptibility to, 1 (MHS1). Also called: Anesthesia related hyperthermia; Malignant hyperpyrexia; Fulminating hyperpyrexia; Pharmacogenic myopathy; RYR1-Related Malignant Hyperthermia Susceptibility; Malignant hyperthermia suceptibility 1. Identifiers: Orphanet 423, MedGen C2930980, MONDO:0007783, OMIM 145600.
Central core myopathy (CMYO1A). Also called: CONGENITAL MYOPATHY 1A, AUTOSOMAL DOMINANT, WITH SUSCEPTIBILITY TO MALIGNANT HYPERTHERMIA; Central core disease; Myopathy, central fibrillar. Identifiers: Orphanet 597, MedGen C5830701, MONDO:0007294, OMIM 117000.
Congenital myopathy with fiber type disproportion. Also called: Congenital fiber-type disproportion; Congenital fiber-type disproportion myopathy. Identifiers: Orphanet 2020, MedGen C0546264, MONDO:0009711. Inheritance: all.
King Denborough syndrome (KDS). Identifiers: MedGen C1840365, MONDO:0020485, OMIM 619542.
Congenital multicore myopathy with external ophthalmoplegia (CMYO1B). Also called: MULTIMINICORE DISEASE WITH EXTERNAL OPHTHALMOPLEGIA; MULTICORE MYOPATHY; Congenital myopathy 1B, autosomal recessive; Minicore myopathy; Minicore myopathy with external ophthalmoplegia. Identifiers: Orphanet 598, Orphanet 98905, MedGen C1850674, MONDO:0009712, OMIM 255320, HP:0003789.
RYR1-related disorder. Also called: RYR1-related disorders; RYR1-related condition. Identifiers: MedGen CN239331.

Allele frequency attached by ClinVar (database versions not stated): TOPMed 0.00007; ExAC 0.00001; gnomAD exomes 0.00002 and 0.00010; gnomAD 0.00005.
gnomAD v4.1: 155 of 1,613,702 alleles (0.0096%); highest among the groups gnomAD compares: Non-Finnish European, 0.012%; 1 homozygote.

Submissions (8):

GeneDx
Classification: Likely pathogenic. Last evaluated: 2026-10-13. Review status: criteria provided, single submitter. Criteria: GeneDx Variant Classification Process June 2021. Collection method: clinical testing. Allele origin: germline.
Comment: Not observed at significant frequency in large population cohorts (gnomAD); In silico analysis supports that this missense variant has a deleterious effect on protein structure/function; Reported in an individual from a cohort of patients with presumed RYR1-related myopathy; however, clinical information was not provided (PMID: 32236737); This variant is associated with the following publications: (PMID: 33767344, 32236737, 37937776)

All of Us Research Program, National Institutes of Health
Classification: Uncertain significance for Malignant hyperthermia, susceptibility to, 1. Last evaluated: 2024-09-23. Review status: criteria provided, single submitter. Criteria: ACMG Guidelines, 2015. Collection method: clinical testing. Allele origin: germline. Inheritance: Autosomal dominant inheritance. Observed: 18 variant alleles, 18 heterozygotes.
Comment: This missense variant replaces arginine with histidine at codon 256 of the RYR1 protein. Computational prediction suggests that this variant may have deleterious impact on protein structure and function. This variant occurs in a region of the RYR1 protein that is considered to be a hotspot for pathogenic variants that contribute to malignant hyperthermia susceptibility (PMID: 21118704). To our knowledge, functional studies have not been reported for this variant. This variant has not been reported in individuals affected with RYR1-related disorders in the literature. This variant has been identified in 7/282086 chromosomes in the general population by the Genome Aggregation Database (gnomAD). The available evidence is insufficient to determine the role of this variant in disease conclusively. Therefore, this variant is classified as a Variant of Uncertain Significance.

This study involves interpretation of variants in research participants for the purpose of population health screening. Participant phenotype was not available at the time of variant classification. Additional details can be found in publication PMID: 35346344, PMCID: PMC8962531

Color Diagnostics, LLC DBA Color Health
Classification: Uncertain significance for Malignant hyperthermia, susceptibility to, 1. Last evaluated: 2024-05-17. Review status: criteria provided, single submitter. Criteria: ACMG Guidelines, 2015. Collection method: clinical testing. Allele origin: germline.
Comment: This missense variant replaces arginine with histidine at codon 256 of the RYR1 protein. Computational prediction suggests that this variant may have deleterious impact on protein structure and function. This variant occurs in a region of the RYR1 protein that is considered to be a hotspot for pathogenic variants that contribute to malignant hyperthermia susceptibility (PMID: 21118704). To our knowledge, functional studies have not been reported for this variant. This variant has not been reported in individuals affected with RYR1-related disorders in the literature. This variant has been identified in 7/282086 chromosomes in the general population by the Genome Aggregation Database (gnomAD). The available evidence is insufficient to determine the role of this variant in disease conclusively. Therefore, this variant is classified as a Variant of Uncertain Significance.

Revvity Omics, Revvity
Classification: Uncertain significance. Last evaluated: 2023-12-28. Review status: criteria provided, single submitter. Criteria: ACMG Guidelines, 2015. Collection method: clinical testing. Allele origin: germline.

Blueprint Genetics
Classification: Uncertain significance. Last evaluated: 2022-12-14. Review status: criteria provided, single submitter. Criteria: ACMG Guidelines, 2015. Collection method: clinical testing. Allele origin: germline.

Labcorp Genetics (formerly Invitae), Labcorp
Classification: Uncertain significance for RYR1-related disorder. Last evaluated: 2022-10-21. Review status: criteria provided, single submitter. Criteria: Invitae Variant Classification Sherloc (09022015). Collection method: clinical testing. Allele origin: germline.
Comment: This sequence change replaces arginine, which is basic and polar, with histidine, which is basic and polar, at codon 256 of the RYR1 protein (p.Arg256His). This variant is present in population databases (rs772767943, gnomAD 0.004%). This variant has not been reported in the literature in individuals affected with RYR1-related conditions. ClinVar contains an entry for this variant (Variation ID: 590594). Advanced modeling of protein sequence and biophysical properties (such as structural, functional, and spatial information, amino acid conservation, physicochemical variation, residue mobility, and thermodynamic stability) performed at Invitae indicates that this missense variant is expected to disrupt RYR1 protein function. In summary, the available evidence is currently insufficient to determine the role of this variant in disease. Therefore, it has been classified as a Variant of Uncertain Significance.

Fulgent Genetics
Classification: Uncertain significance for Central core myopathy; Malignant hyperthermia, susceptibility to, 1; Congenital myopathy 4A, autosomal dominant; Congenital multicore myopathy with external ophthalmoplegia; King Denborough syndrome. Last evaluated: 2021-08-24. Review status: criteria provided, single submitter. Criteria: ACMG Guidelines, 2015. Collection method: clinical testing. Allele origin: unknown.

PreventionGenetics, part of Exact Sciences
Classification: Uncertain significance. Last evaluated: 2015-08-11. Review status: criteria provided, single submitter. Criteria: ACMG Guidelines, 2015. Collection method: clinical testing. Allele origin: germline.

Literature cited by the submitters: PubMed 21118704 (cited by All of Us Research Program, National Institutes of Health and Color Diagnostics, LLC DBA Color Health).

NM_000540.3(RYR1):c.767G>A (p.Arg256His)

Gene: RYR1 (ryanodine receptor 1; plus strand). Cytogenetic location: 19q13.2.
Variant type: single nucleotide variant.
Coding change: c.767G>A on transcript NM_000540.3 (MANE Select); coding-DNA position 767, G replaced by A.
Protein change: p.Arg256His; replaces arginine 256 with histidine.
Molecular consequence: missense variant.
Genome position (GRCh38, 1-based): chr19:38,446,735, G>A. VCF-style: chr19-38446735-G-A. GRCh37 (hg19) VCF-style: chr19-38937375-G-A.
Other names: c.767G>A, p.Arg256His (NM_001042723.2); short protein forms R256H.
Identifiers: ClinVar variation 590594 (VCV000590594.19), dbSNP rs772767943, ClinGen allele CA069967.